The following is an entry in ClinVar:

NM_000093.5(COL5A1):c.94C>T (p.Pro32Ser)

Gene: COL5A1 (collagen type V alpha 1 chain; plus strand). Cytogenetic location: 9q34.3.
Variant type: single nucleotide variant.
Coding change: c.94C>T on transcript NM_000093.5 (MANE Select); coding-DNA position 94, C replaced by T.
Protein change: p.Pro32Ser; replaces proline 32 with serine.
Molecular consequence: missense variant.
Genome position (GRCh38, 1-based): chr9:134,642,281, C>T. VCF-style: chr9-134642281-C-T. GRCh37 (hg19) VCF-style: chr9-137534127-C-T.
Other names: c.94C>T, p.Pro32Ser (NM_001278074.1); short protein forms P32S.
Identifiers: ClinVar variation 283422 (VCV000283422.7), dbSNP rs886042620, ClinGen allele CA10604484.

ClinVar aggregate classification (germline): Uncertain significance. Review status: criteria provided, multiple submitters, no conflicts (2 of 4 stars). 2 submissions from 2 submitters: Uncertain significance (2). Last evaluated 2024-09-03.

Conditions:
Ehlers-Danlos syndrome, classic type, 1 (EDSCL1). Also called: Ehlers-Danlos syndrome, type 1; EHLERS-DANLOS SYNDROME, GRAVIS TYPE; EHLERS-DANLOS SYNDROME, SEVERE CLASSIC TYPE; Ehlers-Danlos Syndrome, Classic Type, COL5A1-Related; EDS I. Identifiers: MedGen C0268335, MONDO:0019567, OMIM 130000.

Allele frequency attached by ClinVar (database versions not stated): TOPMed below 0.00001; gnomAD exomes 0.00001.
gnomAD v4.1: 7 of 1,161,276 alleles (0.0006%); highest among the groups gnomAD compares: Non-Finnish European, 0.00075%; no homozygotes.

Submissions (2):

Labcorp Genetics (formerly Invitae), Labcorp
Classification: Uncertain significance for Ehlers-Danlos syndrome, classic type, 1. Last evaluated: 2024-09-03. Review status: criteria provided, single submitter. Criteria: Invitae Variant Classification Sherloc (09022015). Collection method: clinical testing. Allele origin: germline.
Comment: This sequence change replaces proline, which is neutral and non-polar, with serine, which is neutral and polar, at codon 32 of the COL5A1 protein (p.Pro32Ser). This variant is not present in population databases (gnomAD no frequency). This variant has not been reported in the literature in individuals affected with COL5A1-related conditions. ClinVar contains an entry for this variant (Variation ID: 283422). Invitae Evidence Modeling of protein sequence and biophysical properties (such as structural, functional, and spatial information, amino acid conservation, physicochemical variation, residue mobility, and thermodynamic stability) indicates that this missense variant is not expected to disrupt COL5A1 protein function with a negative predictive value of 95%. In summary, the available evidence is currently insufficient to determine the role of this variant in disease. Therefore, it has been classified as a Variant of Uncertain Significance.

Eurofins Ntd Llc (ga)
Classification: Uncertain significance. Last evaluated: 2015-09-21. Review status: criteria provided, single submitter. Criteria: EGL Classification Definitions 2015. Collection method: clinical testing. Allele origin: germline.